The following is an entry in ClinVar:

NM_000092.5(COL4A4):c.1981C>T (p.Gln661Ter)

Gene: COL4A4 (collagen type IV alpha 4 chain; minus strand). Cytogenetic location: 2q36.3.
Variant type: single nucleotide variant.
Coding change: c.1981C>T on transcript NM_000092.5 (MANE Select); coding-DNA position 1981, C replaced by T.
Protein change: p.Gln661Ter; replaces glutamine 661 with a stop codon.
Molecular consequence: nonsense.
Genome position (GRCh38, 1-based): chr2:227,077,900, G>A on the plus strand (C>T on the coding strand, the complement: COL4A4 is on the minus strand). VCF-style: chr2-227077900-G-A. GRCh37 (hg19) VCF-style: chr2-227942616-G-A.
Other names: short protein forms Q661*.
Identifiers: ClinVar variation 3256701 (VCV003256701.2).

ClinVar aggregate classification (germline): Pathogenic/Likely pathogenic. Review status: criteria provided, multiple submitters, no conflicts (2 of 4 stars). 2 submissions from 2 submitters: Pathogenic (1); Likely pathogenic (1). Last evaluated 2024-06-12.

Conditions:
Autosomal recessive Alport syndrome (ATS2). Also called: Alport syndrome type 2; COL4A4 Alport Syndrome and Thin Basement Membrane Nephropathy; ALPORT SYNDROME 2, AUTOSOMAL RECESSIVE; COL4A3-Related Nephropathy. Identifiers: Orphanet 63, Orphanet 88919, MedGen C4746745, MONDO:0008762, OMIM 203780.
Alport syndrome. Also called: Hemorrhagic familial nephritis; Hemorrhagic hereditary nephritis; Congenital hereditary hematuria. Identifiers: Orphanet 63, MedGen C1567741, MONDO:0018965.

Submissions (2):

MVZ Medizinische Genetik Mainz
Classification: Likely pathogenic for Autosomal recessive Alport syndrome. Last evaluated: 2024-06-12. Review status: criteria provided, single submitter. Criteria: UK Practice Guidelines For Variant Classification V4 01 2020. Collection method: clinical testing. Allele origin: germline. Inheritance: Autosomal dominant inheritance. Affected: yes. Observed: 1 variant allele.
Comment: ACMG Criteria: PVS1,PM2_SUP

Myriad Genetics, Inc.
Classification: Pathogenic for Alport syndrome. Last evaluated: 2024-03-20. Review status: criteria provided, single submitter. Criteria: Myriad Autosomal Dominant, Autosomal Recessive and X-Linked Classification Criteria (2023). Collection method: clinical testing. Allele origin: unknown.
Comment: NM_000092.4(COL4A4):c.1981C>T(Q661*) is expected to be pathogenic in the context of Alport syndrome, COL4A4-related. This variant is predicted to lead to an abnormal or absent protein product due to the creation of a premature termination codon in COL4A4, a gene where loss-of-function variants are known to be pathogenic. Please note: this variant was assessed in the context of healthy population screening.